The following is an entry in ClinVar:

NM_032793.5(MFSD2A):c.340C>T (p.Arg114Cys)

Gene: MFSD2A (MFSD2 lysolipid transporter A, lysophospholipid; plus strand). Cytogenetic location: 1p34.2.
Variant type: single nucleotide variant.
Coding change: c.340C>T on transcript NM_032793.5 (MANE Select); coding-DNA position 340, C replaced by T.
Protein change: p.Arg114Cys; replaces arginine 114 with cysteine.
Molecular consequence: missense variant. On other transcripts: 5 prime UTR variant (1), non-coding transcript variant (1), intron variant (1).
Genome position (GRCh38, 1-based): chr1:39,958,812, C>T. VCF-style: chr1-39958812-C-T. GRCh37 (hg19) VCF-style: chr1-40424484-C-T.
Other names: c.379C>T, p.Arg127Cys (NM_001136493.3); c.229C>T, p.Arg77Cys (NM_001287809.2); c.334C>T, p.Arg112Cys (NM_001349821.2); c.340C>T, p.Arg114Cys (NM_001349822.2); c.-6C>T (NM_001349823.2); c.-116+3427C>T (NM_001287808.2); short protein forms R127C, R112C, R114C, R77C.
Identifiers: ClinVar variation 2172956 (VCV002172956.4), dbSNP rs556985300, ClinGen allele CA788591.

ClinVar aggregate classification (germline): Uncertain significance (1 of 4 stars; one submission).

Allele frequency attached by ClinVar (database versions not stated): gnomAD exomes below 0.00001; TOPMed below 0.00001; ExAC 0.00001; gnomAD 0.00002; 1000 Genomes Project 30x 0.00016; 1000 Genomes Project 0.00020.

Submission:

Labcorp Genetics (formerly Invitae), Labcorp
Classification: Uncertain significance. Last evaluated: 2026-01-05. Review status: criteria provided, single submitter. Criteria: Invitae Variant Classification Sherloc (09022015). Collection method: clinical testing. Allele origin: germline.
Comment: This sequence change replaces arginine, which is basic and polar, with cysteine, which is neutral and slightly polar, at codon 127 of the MFSD2A protein (p.Arg127Cys). This variant is present in population databases (rs556985300, gnomAD 0.006%). This variant has not been reported in the literature in individuals affected with MFSD2A-related conditions. ClinVar contains an entry for this variant (Variation ID: 2172956). Invitae Evidence Modeling of protein sequence and biophysical properties (such as structural, functional, and spatial information, amino acid conservation, physicochemical variation, residue mobility, and thermodynamic stability) indicates that this missense variant is expected to disrupt MFSD2A protein function with a positive predictive value of 80%. In summary, the available evidence is currently insufficient to determine the role of this variant in disease. Therefore, it has been classified as a Variant of Uncertain Significance.